The following is an entry in ClinVar:

ClinVar aggregate classification (germline): Uncertain significance (1 of 4 stars; one submission).

Conditions:
Hereditary cancer-predisposing syndrome. Also called: Neoplastic Syndromes, Hereditary; Tumor predisposition; Hereditary Cancer Syndrome; Hereditary neoplastic syndrome. Identifiers: Orphanet 140162, MedGen C0027672, MeSH D009386, MONDO:0015356.

Submission:

Ambry Genetics
Classification: Uncertain significance for Hereditary cancer-predisposing syndrome. Last evaluated: 2022-09-03. Review status: criteria provided, single submitter. Criteria: Ambry Variant Classification Scheme 2023. Collection method: clinical testing. Allele origin: germline.
Comment: The p.S293G variant (also known as c.877A>G), located in coding exon 3 of the PHOX2B gene, results from an A to G substitution at nucleotide position 877. The serine at codon 293 is replaced by glycine, an amino acid with similar properties. This amino acid position is conserved. In addition, the in silico prediction for this alteration is inconclusive. Since supporting evidence is limited at this time, the clinical significance of this alteration remains unclear.

NM_003924.4(PHOX2B):c.877A>G (p.Ser293Gly)

Gene: PHOX2B (paired like homeobox 2B; minus strand). Cytogenetic location: 4p13.
Variant type: single nucleotide variant.
Coding change: c.877A>G on transcript NM_003924.4 (MANE Select); coding-DNA position 877, A replaced by G.
Protein change: p.Ser293Gly; replaces serine 293 with glycine.
Molecular consequence: missense variant.
Genome position (GRCh38, 1-based): chr4:41,745,875, T>C on the plus strand (A>G on the coding strand, the complement: PHOX2B is on the minus strand). VCF-style: chr4-41745875-T-C. GRCh37 (hg19) VCF-style: chr4-41747892-T-C.
Other names: short protein forms S293G.
Identifiers: ClinVar variation 1764626 (VCV001764626.2), dbSNP rs2552096768, ClinGen allele CA356736891.
Genomic context (GRCh38, chr4:41,745,875, plus strand): 5'-TACTGCTCTTCACTAAGGCGGCTTTGGCACCGTTGGGTCTTTGGAGCGAAGATAGGACGC[T>C]GGCGAAGGGACCCCCAAGCGAATCCGGGATGGAGGTGATGGGGCCGGGGCCGGGAGCCCA-3'
Protein context (NP_003915.2, residues 283-303): IPDSLGGPFA[Ser293Gly]VLSSLQRPNG